The following is an entry in ClinVar:

NM_012106.4(ARL2BP):c.235G>T (p.Glu79Ter)

Gene: ARL2BP (ARF like GTPase 2 binding protein; plus strand). Cytogenetic location: 16q13.
Variant type: single nucleotide variant.
Coding change: c.235G>T on transcript NM_012106.4 (MANE Select); coding-DNA position 235, G replaced by T.
Protein change: p.Glu79Ter; replaces glutamic acid 79 with a stop codon.
Molecular consequence: nonsense.
Genome position (GRCh38, 1-based): chr16:57,249,794, G>T. VCF-style: chr16-57249794-G-T. GRCh37 (hg19) VCF-style: chr16-57283706-G-T.
Other names: short protein forms E79*.
Identifiers: ClinVar variation 2811446 (VCV002811446.3), dbSNP rs2545932661, ClinGen allele CA396022327.
Genomic context (GRCh38, chr16:57,249,794, plus strand): 5'-ATGGTCTCACCAAAATCCTTTCCACTGTTGCAGATTTCTTTGGTAGAAAAATACATTGAA[G>T]AACAGCTGCTGCAGCGGATTCCTGAGTTCAACATGGCAGCCTTCACCACAACATTACAGT-3'

ClinVar aggregate classification (germline): Pathogenic (1 of 4 stars; one submission).

Submission:

Labcorp Genetics (formerly Invitae), Labcorp
Classification: Pathogenic. Last evaluated: 2023-06-01. Review status: criteria provided, single submitter. Criteria: Invitae Variant Classification Sherloc (09022015). Collection method: clinical testing. Allele origin: germline.
Comment: For these reasons, this variant has been classified as Pathogenic. This variant has not been reported in the literature in individuals affected with ARL2BP-related conditions. This variant is not present in population databases (gnomAD no frequency). This sequence change creates a premature translational stop signal (p.Glu79*) in the ARL2BP gene. It is expected to result in an absent or disrupted protein product. Loss-of-function variants in ARL2BP are known to be pathogenic (PMID: 23849777, 27790702, 29718757, 30210231).

Literature cited by the submitters: PubMed 23849777; PubMed 27790702; PubMed 29718757; PubMed 30210231.